The following is an entry in ClinVar:

NM_015466.4(PTPN23):c.4043T>C (p.Val1348Ala)

Gene: PTPN23 (protein tyrosine phosphatase non-receptor type 23; plus strand). Cytogenetic location: 3p21.31.
Variant type: single nucleotide variant.
Coding change: c.4043T>C on transcript NM_015466.4 (MANE Select); coding-DNA position 4043, T replaced by C.
Protein change: p.Val1348Ala; replaces valine 1348 with alanine.
Molecular consequence: missense variant.
Genome position (GRCh38, 1-based): chr3:47,411,937, T>C. VCF-style: chr3-47411937-T-C. GRCh37 (hg19) VCF-style: chr3-47453427-T-C.
Other names: c.3665T>C, p.Val1222Ala (NM_001304482.2); short protein forms V1222A, V1348A.
Identifiers: ClinVar variation 2074180 (VCV002074180.2), dbSNP rs200010171, ClinGen allele CA2366430.
Genomic context (GRCh38, chr3:47,411,937, plus strand): 5'-CCCATGTGGAGCGCGTGCTGAGCCTGCAGTTCCGAGACCAGAGCCTCAAGCGCTCTCTTG[T>C]GCACCTGCACTTCCCCACTTGGCCTGAGTTGTGAGTCCACTGCTCTGGATGGTGGTTGGG-3'
Protein context (NP_056281.1, residues 1338-1358): FRDQSLKRSL[Val1348Ala]HLHFPTWPEL

ClinVar aggregate classification (germline): Uncertain significance. Review status: criteria provided, multiple submitters, no conflicts (2 of 4 stars). 2 submissions from 2 submitters: Uncertain significance (2). Last evaluated 2022-07-25.

Conditions:
Inborn genetic diseases. Identifiers: MedGen C0950123, MeSH D030342.

Allele frequency attached by ClinVar (database versions not stated): ExAC 0.00001; gnomAD 0.00001; gnomAD exomes 0.00003; TOPMed 0.00003; 1000 Genomes Project 0.00020; 1000 Genomes Project 30x 0.00031.
gnomAD v4.1: 18 of 1,612,794 alleles (0.0011%); highest among the groups gnomAD compares: Admixed American, 0.027%; no homozygotes.

Submissions (2):

Labcorp Genetics (formerly Invitae), Labcorp
Classification: Uncertain significance. Last evaluated: 2022-07-25. Review status: criteria provided, single submitter. Criteria: Invitae Variant Classification Sherloc (09022015). Collection method: clinical testing. Allele origin: germline.
Comment: This sequence change replaces valine, which is neutral and non-polar, with alanine, which is neutral and non-polar, at codon 1348 of the PTPN23 protein (p.Val1348Ala). This variant is present in population databases (rs200010171, gnomAD 0.04%). This variant has not been reported in the literature in individuals affected with PTPN23-related conditions. Algorithms developed to predict the effect of missense changes on protein structure and function are either unavailable or do not agree on the potential impact of this missense change (SIFT: "Tolerated"; PolyPhen-2: "Possibly Damaging"; Align-GVGD: "Class C0"). In summary, the available evidence is currently insufficient to determine the role of this variant in disease. Therefore, it has been classified as a Variant of Uncertain Significance.

Ambry Genetics
Classification: Uncertain significance for Inborn genetic diseases. Last evaluated: 2022-04-25. Review status: criteria provided, single submitter. Criteria: Ambry Variant Classification Scheme 2023. Collection method: clinical testing. Allele origin: germline.